The following is an entry in ClinVar:

ClinVar aggregate classification (germline): Uncertain significance (1 of 4 stars; one submission).

Conditions:
Snijders Blok-Campeau syndrome. Also called: INTELLECTUAL DEVELOPMENTAL DISORDER WITH MACROCEPHALY, SPEECH DELAY, AND DYSMORPHIC FACIES. Identifiers: Orphanet 599082, MedGen C4748701, MONDO:0032600, OMIM 618205.

Submission:

Juno Genomics, Hangzhou Juno Genomics, Inc
Classification: Uncertain significance for Snijders Blok-Campeau syndrome. Review status: criteria provided, single submitter. Criteria: ACMG Guidelines, 2015. Collection method: clinical testing. Allele origin: germline.
Comment: Absent from controls (or at extremely low frequency if recessive) in Genome Aggregation Database.;Missense variant in a gene that has a low rate of benign missense variation.

NM_001005273.3(CHD3):c.35G>A (p.Arg12Lys)

Gene: CHD3 (chromodomain helicase DNA binding protein 3; plus strand). Cytogenetic location: 17p13.1.
Variant type: single nucleotide variant.
Coding change: c.35G>A on transcript NM_001005273.3 (MANE Select); coding-DNA position 35, G replaced by A.
Protein change: p.Arg12Lys; replaces arginine 12 with lysine.
Molecular consequence: missense variant. On other transcripts: intron variant (5).
Genome position (GRCh38, 1-based): chr17:7,889,035, G>A. VCF-style: chr17-7889035-G-A. GRCh37 (hg19) VCF-style: chr17-7792353-G-A.
Other names: c.35G>A, p.Arg12Lys (NM_005852.4); c.278-629G>A (NM_001437504.1, NM_001005271.3, NM_001437509.1 and 2 more transcripts); short protein forms R12K.
Identifiers: ClinVar variation 5019662 (VCV005019662.2).